The following is an entry in ClinVar:

NM_000535.7(PMS2):c.2109G>C (p.Thr703=)

Gene: PMS2 (PMS1 homolog 2, mismatch repair system component; minus strand). Cytogenetic location: 7p22.1.
Variant type: single nucleotide variant.
Coding change: c.2109G>C on transcript NM_000535.7 (MANE Select); coding-DNA position 2109, G replaced by C.
Protein change: p.Thr703=; no amino-acid change (threonine 703 retained).
Molecular consequence: synonymous variant. On other transcripts: non-coding transcript variant (1).
Genome position (GRCh38, 1-based): chr7:5,982,889, C>G on the plus strand (G>C on the coding strand, the complement: PMS2 is on the minus strand). VCF-style: chr7-5982889-C-G. GRCh37 (hg19) VCF-style: chr7-6022520-C-G.
Other names: c.1704G>C, p.Thr568= (NM_001322003.2, NM_001322004.2, NM_001322005.2 and 1 more transcripts); c.1953G>C, p.Thr651= (NM_001322006.2); c.1791G>C, p.Thr597= (NM_001322007.2, NM_001322008.2); c.1548G>C, p.Thr516= (NM_001322010.2); c.1176G>C, p.Thr392= (NM_001322011.2, NM_001322012.2); c.1536G>C, p.Thr512= (NM_001322013.2); c.2109G>C, p.Thr703= (NM_001322014.2); c.1800G>C, p.Thr600= (NM_001322015.2).
Identifiers: ClinVar variation 982766 (VCV000982766.26), dbSNP rs775355718, ClinGen allele CA046622.

ClinVar aggregate classification (germline): Conflicting classifications of pathogenicity. Review status: criteria provided, conflicting classifications (1 of 4 stars). 6 submissions from 6 submitters: Uncertain significance (1); Benign (1); Likely benign (4). Last evaluated 2025-02-20.

Conditions:
Hereditary nonpolyposis colorectal neoplasms. Identifiers: MedGen C0009405, MeSH D003123.
Breast neoplasm. Also called: Neoplasm of breast; Breast tumor; Breast Neoplasms; Neoplasm of the breast. Identifiers: MedGen C1458155, MeSH D001943, MONDO:0021100, HP:0100013. Disease mechanism: gain of function.
Hereditary cancer-predisposing syndrome. Also called: Hereditary Cancer Syndrome; Hereditary neoplastic syndrome; Neoplastic Syndromes, Hereditary; Tumor predisposition. Identifiers: Orphanet 140162, MedGen C0027672, MeSH D009386, MONDO:0015356.
Lynch syndrome 4 (LYNCH4). Also called: Colorectal cancer, hereditary nonpolyposis, type 4; Hereditary non-polyposis colorectal cancer, type 4. Identifiers: Orphanet 144, MedGen C1838333, MONDO:0013699, OMIM 614337. Disease mechanism: loss of function.

Allele frequency attached by ClinVar (database versions not stated): ExAC 0.00002.
gnomAD v4.1: 9 of 1,603,380 alleles (0.00056%); highest among the groups gnomAD compares: Non-Finnish European, 0.00068%; no homozygotes.

Submissions (6):

Labcorp Genetics (formerly Invitae), Labcorp
Classification: Likely benign for Hereditary nonpolyposis colorectal neoplasms. Last evaluated: 2025-02-20. Review status: criteria provided, single submitter. Criteria: Invitae Variant Classification Sherloc (09022015). Collection method: clinical testing. Allele origin: germline.

Myriad Genetics, Inc.
Classification: Benign for Lynch syndrome 4. Last evaluated: 2025-02-03. Review status: criteria provided, single submitter. Criteria: Myriad Autosomal Dominant, Autosomal Recessive and X-Linked Classification Criteria (2023). Collection method: clinical testing. Allele origin: unknown.
Comment: This variant is considered benign. This variant is a silent/synonymous amino acid change and it is not expected to impact splicing.

CeGaT Center for Human Genetics Tuebingen
Classification: Likely benign. Last evaluated: 2024-08-01. Review status: criteria provided, single submitter. Criteria: CeGaT Center For Human Genetics Tuebingen Variant Classification Criteria Version 2. Collection method: clinical testing. Allele origin: germline. Affected: yes. Observed: 1 variant allele.
Comment: PMS2: BP4, BP7

Color Diagnostics, LLC DBA Color Health
Classification: Likely benign for Hereditary cancer-predisposing syndrome. Last evaluated: 2022-12-21. Review status: criteria provided, single submitter. Criteria: ACMG Guidelines, 2015. Collection method: clinical testing. Allele origin: germline.

Ambry Genetics
Classification: Likely benign for Hereditary cancer-predisposing syndrome. Last evaluated: 2021-01-12. Review status: criteria provided, single submitter. Criteria: Ambry Variant Classification Scheme 2023. Collection method: clinical testing. Allele origin: germline.

Institute of Human Genetics, University of Leipzig Medical Center
Classification: Uncertain significance for Neoplasm of the breast. Last evaluated: 2019-01-01. Review status: criteria provided, single submitter. Criteria: ACMG Guidelines, 2015. Collection method: clinical testing. Allele origin: unknown. Affected: yes.